The following is an entry in ClinVar:

NM_001042432.2(CLN3):c.170G>A (p.Ser57Asn)

Gene: CLN3 (CLN3 lysosomal/endosomal transmembrane protein, battenin; minus strand). Cytogenetic location: 16p12.1.
Variant type: single nucleotide variant.
Coding change: c.170G>A on transcript NM_001042432.2 (MANE Select); coding-DNA position 170, G replaced by A.
Protein change: p.Ser57Asn; replaces serine 57 with asparagine.
Molecular consequence: missense variant. On other transcripts: 5 prime UTR variant (1).
Genome position (GRCh38, 1-based): chr16:28,489,342, C>T on the plus strand (G>A on the coding strand, the complement: CLN3 is on the minus strand). VCF-style: chr16-28489342-C-T. GRCh37 (hg19) VCF-style: chr16-28500663-C-T.
Other names: c.170G>A, p.Ser57Asn (NM_000086.2, NM_001286104.2); c.-51G>A (NM_001286105.2); c.8G>A, p.Ser3Asn (NM_001286109.2, NM_001286110.2); short protein forms S57N, S3N.
Identifiers: ClinVar variation 2059164 (VCV002059164.4), dbSNP rs2506508333, ClinGen allele CA395346492.
Genomic context (GRCh38, chr16:28,489,342, plus strand): 5'-TCACTTACATGGCTCTGGTTTCCCGATGTCCTCTTGTGGCTAAGGATGTCGTGGGCGGCA[C>T]TCAGCATCACCACATAAGAGAAGTTGTTGCAAAGGCCCAGCAGCCTGGAAGGAGCAGGAC-3'
Protein context (NP_001035897.1, residues 47-67): CNNFSYVVML[Ser57Asn]AAHDILSHKR

ClinVar aggregate classification (germline): Uncertain significance (1 of 4 stars; one submission).

Conditions:
Neuronal ceroid lipofuscinosis. Also called: Neuronal Ceroid Lipofuscinoses. Identifiers: Orphanet 216, Orphanet 79263, MedGen C0027877, MONDO:0016295. Disease mechanism: loss of function.

Submission:

Labcorp Genetics (formerly Invitae), Labcorp
Classification: Uncertain significance for Neuronal ceroid lipofuscinosis. Last evaluated: 2021-12-24. Review status: criteria provided, single submitter. Criteria: Invitae Variant Classification Sherloc (09022015). Collection method: clinical testing. Allele origin: germline.
Comment: This sequence change replaces serine, which is neutral and polar, with asparagine, which is neutral and polar, at codon 57 of the CLN3 protein (p.Ser57Asn). This variant is not present in population databases (gnomAD no frequency). This variant has not been reported in the literature in individuals affected with CLN3-related conditions. Algorithms developed to predict the effect of missense changes on protein structure and function (SIFT, PolyPhen-2, Align-GVGD) all suggest that this variant is likely to be disruptive. In summary, the available evidence is currently insufficient to determine the role of this variant in disease. Therefore, it has been classified as a Variant of Uncertain Significance.